The following is an entry in ClinVar:

ClinVar aggregate classification (germline): Uncertain significance. Review status: criteria provided, multiple submitters, no conflicts (2 of 4 stars). 3 submissions from 3 submitters: Uncertain significance (3). Last evaluated 2026-07-20.

Conditions:
Inborn genetic diseases. Identifiers: MedGen C0950123, MeSH D030342.
Intellectual disability. Also called: intellectual disabilities; Intellectual developmental disorder; Intellectual functioning disability. Identifiers: MedGen C3714756, MeSH D008607, MONDO:0001071, HP:0001249.

Allele frequency attached by ClinVar (database versions not stated): gnomAD exomes below 0.00001.
gnomAD v4.1: 3 of 1,614,114 alleles (0.00019%); highest among the groups gnomAD compares: Non-Finnish European, 0.00025%; no homozygotes.

Submissions (3):

Ambry Genetics
Classification: Uncertain significance for Inborn genetic diseases. Last evaluated: 2026-07-20. Review status: criteria provided, single submitter. Criteria: Ambry Variant Classification Scheme 2023. Collection method: clinical testing. Allele origin: germline.

GeneDx
Classification: Uncertain significance. Last evaluated: 2024-05-23. Review status: criteria provided, single submitter. Criteria: GeneDx Variant Classification Process June 2021. Collection method: clinical testing. Allele origin: germline. Affected: yes.
Comment: Not observed at significant frequency in large population cohorts (gnomAD); In silico analysis supports that this missense variant has a deleterious effect on protein structure/function; Has not been previously published as pathogenic or benign to our knowledge.

Labcorp Genetics (formerly Invitae), Labcorp
Classification: Uncertain significance for Intellectual disability. Last evaluated: 2022-08-09. Review status: criteria provided, single submitter. Criteria: Invitae Variant Classification Sherloc (09022015). Collection method: clinical testing. Allele origin: germline.
Comment: In summary, the available evidence is currently insufficient to determine the role of this variant in disease. Therefore, it has been classified as a Variant of Uncertain Significance. Advanced modeling of protein sequence and biophysical properties (such as structural, functional, and spatial information, amino acid conservation, physicochemical variation, residue mobility, and thermodynamic stability) performed at Invitae indicates that this missense variant is expected to disrupt GABRB2 protein function. ClinVar contains an entry for this variant (Variation ID: 1505450). This variant has not been reported in the literature in individuals affected with GABRB2-related conditions. This variant is not present in population databases (gnomAD no frequency). This sequence change replaces arginine, which is basic and polar, with cysteine, which is neutral and slightly polar, at codon 466 of the GABRB2 protein (p.Arg466Cys).

NM_001371727.1(GABRB2):c.1396C>T (p.Arg466Cys)

Gene: GABRB2 (gamma-aminobutyric acid type A receptor subunit beta2; minus strand). Cytogenetic location: 5q34.
Variant type: single nucleotide variant.
Coding change: c.1396C>T on transcript NM_001371727.1 (MANE Select); coding-DNA position 1396, C replaced by T.
Protein change: p.Arg466Cys; replaces arginine 466 with cysteine.
Molecular consequence: missense variant.
Genome position (GRCh38, 1-based): chr5:161,294,224, G>A on the plus strand (C>T on the coding strand, the complement: GABRB2 is on the minus strand). VCF-style: chr5-161294224-G-A. GRCh37 (hg19) VCF-style: chr5-160721231-G-A.
Other names: c.1396C>T (NM_021911.2); c.1282C>T, p.Arg428Cys (NM_000813.3); c.1396C>T, p.Arg466Cys (NM_021911.3); short protein forms R428C, R466C.
Identifiers: ClinVar variation 1505450 (VCV001505450.10), dbSNP rs2113333414, ClinGen allele CA362173232.